The following is an entry in ClinVar:

NM_014806.5(RUSC2):c.3947dup (p.Pro1317fs)

Gene: RUSC2 (RUN and SH3 domain containing 2; plus strand). Cytogenetic location: 9p13.3.
Variant type: Duplication.
Coding change: c.3947dup on transcript NM_014806.5 (MANE Select); coding-DNA position 3947, one base duplicated (C; older notation c.3947dupC).
Protein change: p.Pro1317fs; shifts the reading frame from proline 1317.
Molecular consequence: frameshift variant. On other transcripts: non-coding transcript variant (1).
Genome position (GRCh38, 1-based): chr9:35,560,587, C duplicated; the last of 2 consecutive C bases (chr9:35,560,586-35,560,587); duplicating either gives the same sequence. VCF-style (leftmost placement, unchanged base first): chr9-35560585-A-AC. GRCh37 (hg19) VCF-style: chr9-35560582-A-AC.
Other names: c.3947dup, p.Pro1317fs (NM_001135999.2); c.1313dup, p.Pro439fs (NM_001330740.2); short protein forms P1317fs, P439fs.
Identifiers: ClinVar variation 4727701 (VCV004727701.1).

ClinVar aggregate classification (germline): Pathogenic (1 of 4 stars; one submission).

Submission:

Labcorp Genetics (formerly Invitae), Labcorp
Classification: Pathogenic. Last evaluated: 2025-09-23. Review status: criteria provided, single submitter. Criteria: Invitae Variant Classification Sherloc (09022015). Collection method: clinical testing. Allele origin: germline.
Comment: This sequence change creates a premature translational stop signal (p.Pro1317Thrfs*10) in the RUSC2 gene. It is expected to result in an absent or disrupted protein product. Loss-of-function variants in RUSC2 are known to be pathogenic (PMID: 27612186). This variant is not present in population databases (gnomAD no frequency). This variant has not been reported in the literature in individuals affected with RUSC2-related conditions. For these reasons, this variant has been classified as Pathogenic.

Literature cited by the submitters: PubMed 27612186.